The following is an entry in ClinVar:

NM_000260.4(MYO7A):c.2094+1G>T

Gene: MYO7A (myosin VIIA; plus strand). Cytogenetic location: 11q13.5.
Variant type: single nucleotide variant.
Coding change: c.2094+1G>T on transcript NM_000260.4 (MANE Select); the canonical splice donor site of the intron after coding-DNA position 2094, G replaced by T.
Molecular consequence: splice donor variant.
Genome position (GRCh38, 1-based): chr11:77,174,915, G>T. VCF-style: chr11-77174915-G-T. GRCh37 (hg19) VCF-style: chr11-76885961-G-T.
Other names: c.2061+1G>T (NM_001369365.1); c.2094+1G>T (NM_001127180.2).
Identifiers: ClinVar variation 4818017 (VCV004818017.1).

ClinVar aggregate classification (germline): Likely pathogenic (1 of 4 stars; one submission).

Conditions:
Usher syndrome type 1B (USH1B). Also called: Usher syndrome type IB. Identifiers: MedGen C1848638, MONDO:0700087.

Submission:

Natera, Inc.
Classification: Likely pathogenic for Usher syndrome type 1B. Last evaluated: 2024-06-28. Review status: criteria provided, single submitter. Criteria: Natera Variant Classification Schema (03/2026). Collection method: clinical testing. Allele origin: germline.
Comment: The c.2094+1G>T variant in MYO7A is a canonical splice donor site variant predicted to affect pre-mRNA splicing, which may result in an abnormal transcript and altered protein product. This variant is expected to result in nonsense mediated decay, truncation, or a dysfunctional protein product. This variant is rare in the general population with a frequency below the threshold expected for the associated phenotype(s). Given the available evidence, this variant is classified as Likely Pathogenic.